The following is an entry in ClinVar:

NM_001142800.2(EYS):c.4477C>A (p.Pro1493Thr)

Gene: EYS (EGF-like photoreceptor maintenance factor; minus strand). Cytogenetic location: 6q12.
Variant type: single nucleotide variant.
Coding change: c.4477C>A on transcript NM_001142800.2 (MANE Select); coding-DNA position 4477, C replaced by A.
Protein change: p.Pro1493Thr; replaces proline 1493 with threonine.
Molecular consequence: missense variant.
Genome position (GRCh38, 1-based): chr6:64,591,390, G>T on the plus strand (C>A on the coding strand, the complement: EYS is on the minus strand). VCF-style: chr6-64591390-G-T. GRCh37 (hg19) VCF-style: chr6-65301283-G-T.
Other names: c.4477C>A, p.Pro1493Thr (NM_001292009.2); short protein forms P1493T.
Identifiers: ClinVar variation 1387426 (VCV001387426.6), dbSNP rs2149832076, ClinGen allele CA364783238.

ClinVar aggregate classification (germline): Uncertain significance (1 of 4 stars; one submission).

Submission:

Labcorp Genetics (formerly Invitae), Labcorp
Classification: Uncertain significance. Last evaluated: 2022-06-27. Review status: criteria provided, single submitter. Criteria: Invitae Variant Classification Sherloc (09022015). Collection method: clinical testing. Allele origin: germline.
Comment: In summary, the available evidence is currently insufficient to determine the role of this variant in disease. Therefore, it has been classified as a Variant of Uncertain Significance. Algorithms developed to predict the effect of missense changes on protein structure and function are either unavailable or do not agree on the potential impact of this missense change (SIFT: "Tolerated"; PolyPhen-2: "Probably Damaging"; Align-GVGD: "Class C0"). This variant has not been reported in the literature in individuals affected with EYS-related conditions. This variant is not present in population databases (gnomAD no frequency). This sequence change replaces proline, which is neutral and non-polar, with threonine, which is neutral and polar, at codon 1493 of the EYS protein (p.Pro1493Thr).